The following is an entry in ClinVar:

NM_001098.3(ACO2):c.339C>T (p.Ser113=)

Gene: ACO2 (aconitase 2; plus strand). Cytogenetic location: 22q13.2.
Variant type: single nucleotide variant.
Coding change: c.339C>T on transcript NM_001098.3 (MANE Select); coding-DNA position 339, C replaced by T.
Protein change: p.Ser113=; no amino-acid change (serine 113 retained).
Molecular consequence: synonymous variant.
Genome position (GRCh38, 1-based): chr22:41,507,956, C>T. VCF-style: chr22-41507956-C-T. GRCh37 (hg19) VCF-style: chr22-41903960-C-T.
Identifiers: ClinVar variation 734669 (VCV000734669.14), dbSNP rs138373868, ClinGen allele CA10257334.

ClinVar aggregate classification (germline): Likely benign. Review status: criteria provided, multiple submitters, no conflicts (2 of 4 stars). 5 submissions from 5 submitters: Likely benign (5). Last evaluated 2026-05-11.

Conditions:
ACO2-related disorder. Also called: ACO2-Related Disorders.

Allele frequency attached by ClinVar (database versions not stated): gnomAD exomes 0.00001 and 0.00002; TOPMed 0.00004; ExAC 0.00006; gnomAD 0.00006 and 0.00008; 1000 Genomes Project 30x 0.00062; 1000 Genomes Project 0.00080.
gnomAD v4.1: 43 of 1,614,246 alleles (0.0027%); highest among the groups gnomAD compares: African/African-American, 0.032%; no homozygotes.

Submissions (5):

PreventionGenetics, part of Exact Sciences
Classification: Likely benign for ACO2-related condition. Last evaluated: 2026-05-11. Review status: criteria provided, single submitter. Criteria: ACMG Guidelines, 2015. Collection method: clinical testing. Allele origin: germline.
Comment: This variant is classified as likely benign based on ACMG/AMP sequence variant interpretation guidelines (Richards et al. 2015 PMID: 25741868, with internal and published modifications).

Labcorp Genetics (formerly Invitae), Labcorp
Classification: Likely benign. Last evaluated: 2025-12-30. Review status: criteria provided, single submitter. Criteria: Invitae Variant Classification Sherloc (09022015). Collection method: clinical testing. Allele origin: germline.

Women's Health and Genetics/Laboratory Corporation of America, LabCorp
Classification: Likely benign. Last evaluated: 2024-12-23. Review status: criteria provided, single submitter. Criteria: LabCorp Variant Classification Summary - May 2015. Collection method: clinical testing. Allele origin: germline.

Blueprint Genetics
Classification: Likely benign. Last evaluated: 2024-07-24. Review status: criteria provided, single submitter. Criteria: ACMG Guidelines, 2015. Collection method: clinical testing. Allele origin: germline.

GeneDx
Classification: Likely benign. Last evaluated: 2021-03-03. Review status: criteria provided, single submitter. Criteria: GeneDx Variant Classification Process June 2021. Collection method: clinical testing. Allele origin: germline. Affected: yes.